The following is an entry in ClinVar:

ClinVar aggregate classification (germline): Pathogenic/Likely pathogenic. Review status: criteria provided, multiple submitters, no conflicts (2 of 4 stars). 6 submissions from 6 submitters: Pathogenic (5); Likely pathogenic (1). Last evaluated 2026-06-12.

Conditions:
Ehlers-Danlos syndrome, classic type, 1 (EDSCL1). Also called: Ehlers-Danlos Syndrome, Classic Type, COL5A1-Related; EDS I; EHLERS-DANLOS SYNDROME, GRAVIS TYPE; EHLERS-DANLOS SYNDROME, SEVERE CLASSIC TYPE; Ehlers-Danlos syndrome, type 1. Identifiers: MedGen C0268335, MONDO:0019567, OMIM 130000.
Osteogenesis imperfecta type I (OI1). Also called: Osteogenesis imperfecta type 1; Classic Non-deforming Osteogenesis Imperfecta with Blue Sclerae; Lobstein disease; OI, TYPE I; OSTEOGENESIS IMPERFECTA TARDA; OSTEOGENESIS IMPERFECTA WITH BLUE SCLERAE. Identifiers: Orphanet 216796, Orphanet 666, MedGen C0023931, MONDO:0008146, OMIM 166200. Disease mechanism: loss of function.
Osteogenesis imperfecta (OI). Identifiers: Orphanet 666, MedGen C0029434, MeSH D010013, MONDO:0019019.
Osteogenesis imperfecta with normal sclerae, dominant form (OI4). Also called: Osteogenesis imperfecta type 4; Common Variable Osteogenesis Imperfecta with Normal Sclerae; OSTEOGENESIS IMPERFECTA, TYPE IV, WITH DENTINOGENESIS IMPERFECTA; Osteogenesis Imperfecta Type IV; OSTEOGENESIS IMPERFECTA WITH NORMAL SCLERAE. Identifiers: Orphanet 216820, Orphanet 666, MedGen C0268363, MONDO:0008148, OMIM 166220.
Osteogenesis imperfecta, perinatal lethal (OI2). Also called: VROLIK TYPE OF OSTEOGENESIS IMPERFECTA; OSTEOGENESIS IMPERFECTA, TYPE II; Osteogenesis imperfecta type 2; OI, TYPE II; OSTEOGENESIS IMPERFECTA CONGENITA; Osteogenesis imperfecta, dominant perinatal lethal. Identifiers: Orphanet 216804, MedGen C0268358, MONDO:0008147, OMIM 166210.

Allele frequency attached by ClinVar (database versions not stated): gnomAD exomes below 0.00001; gnomAD 0.00001.
gnomAD v4.1: 5 of 1,613,918 alleles (0.00031%); highest among the groups gnomAD compares: African/African-American, 0.0013%; no homozygotes.

Submissions (6):

MVZ Martinsried, Medicover Genetics
Classification: Pathogenic for Osteogenesis imperfecta type I. Last evaluated: 2026-06-12. Review status: criteria provided, single submitter. Criteria: ClinGen Variant Curation SOP V3.2 + Classification Guidance July2025. Collection method: clinical testing. Allele origin: unknown. Affected: yes. Observed: 1 heterozygote.

Labcorp Genetics (formerly Invitae), Labcorp
Classification: Pathogenic for Osteogenesis imperfecta type I; Ehlers-Danlos syndrome, classic type, 1. Last evaluated: 2025-09-12. Review status: criteria provided, single submitter. Criteria: Invitae Variant Classification Sherloc (09022015). Collection method: clinical testing. Allele origin: germline.
Comment: This sequence change replaces glycine, which is neutral and non-polar, with serine, which is neutral and polar, at codon 316 of the COL1A2 protein (p.Gly316Ser). This variant is not present in population databases (gnomAD no frequency). This missense change has been observed in individuals with clinical features of osteogenesis imperfecta (PMID: 22753364; internal data). ClinVar contains an entry for this variant (Variation ID: 456846). Invitae Evidence Modeling of protein sequence and biophysical properties (such as structural, functional, and spatial information, amino acid conservation, physicochemical variation, residue mobility, and thermodynamic stability) indicates that this missense variant is expected to disrupt COL1A2 protein function with a positive predictive value of 95%. This variant disrupts the triple helix domain of COL1A2. Glycine residues within the Gly-Xaa-Yaa repeats of the triple helix domain are required for the structure and stability of fibrillar collagens (PMID: 7695699, 8218237, 19344236). In COL1A2, variants affecting these glycine residues are significantly enriched in individuals with disease (PMID: 9016532, 17078022) compared to the general population (ExAC). For these reasons, this variant has been classified as Pathogenic.

Clinical Biomedical Laboratory, Shriners Hospital For Children - Canada
Classification: Pathogenic for Osteogenesis imperfecta with normal sclerae, dominant form. Last evaluated: 2025-07-16. Review status: criteria provided, single submitter. Criteria: ACMG Guidelines, 2015. Collection method: clinical testing. Allele origin: germline. Affected: yes.
Comment: This variant is predicted to substitute a glycine residue by a serine residue in the alpha 2 chain of collagen type I. Glycine substitutions in the triple helical domain of collagen type I cause disruption in the formation of the triple helix in the collagen molecule and are a typical cause of osteogenesis imperfecta. This variant is absent from the Genome Aggregation Database v.2.1.1, indicating it is very rare. Prediction tools (REVEL: 0.98) suggest that the change is detrimental to protein function. This variant has been reported in the literature as a cause of osteogenesis imperfecta (PMID 27748872).

Laboratory of Medical Genetics, National & Kapodistrian University of Athens
Classification: Pathogenic for Osteogenesis imperfecta type I. Last evaluated: 2024-02-26. Review status: criteria provided, single submitter. Criteria: ACMG Guidelines, 2015. Collection method: clinical testing. Allele origin: germline. Affected: yes.
Comment: PS4, PM1, PM5, PM2, PP3, PP5 - The variant has been reported in ClinVar as Pathogenic by other laboratories (Variation ID 456846). This variant has been previously reported as causative (PMID:22753364).

Dasa
Classification: Pathogenic for Osteogenesis imperfecta. Last evaluated: 2022-01-05. Review status: criteria provided, single submitter. Criteria: ACMG Guidelines, 2015. Collection method: clinical testing. Allele origin: germline. Affected: yes. Observed: 1 variant allele.
Comment: The c.946G>A;p.(Gly316Ser) missense variant has been observed in affected individual(s) and ClinVar contains an entry for this variant (Clinvar ID: 456846; PMID: 22753364; 27748872) - PS4.The variant is located in a mutational hot spot and/or critical and well-established functional domain (hot spot region - PMID: 7695699; 8218237; 19344236) - PM1. The variant is present at low allele frequencies population databases (rs72656392– gnomAD 0.00006577%; ABraOM no frequency) - PM2_supporting. Multiple lines of computational evidence support a deleterious effect on the gene or gene product - PP3. In summary, the currently available evidence indicates that the variant is pathogenic.

Molecular Diagnostics Laboratory, M Health Fairview: University of Minnesota
Classification: Likely pathogenic for Osteogenesis imperfecta, perinatal lethal. Last evaluated: 2021-01-19. Review status: criteria provided, single submitter. Criteria: ACMG Guidelines, 2015. Collection method: clinical testing. Allele origin: germline. Affected: yes.

Literature cited by the submitters: PubMed 22753364 (cited by 3 submitters); PubMed 7695699 (cited by Labcorp Genetics (formerly Invitae), Labcorp); PubMed 8218237 (cited by Labcorp Genetics (formerly Invitae), Labcorp); PubMed 19344236 (cited by Labcorp Genetics (formerly Invitae), Labcorp); PubMed 9016532 (cited by Labcorp Genetics (formerly Invitae), Labcorp); PubMed 17078022 (cited by Labcorp Genetics (formerly Invitae), Labcorp); PubMed 27748872 (cited by Dasa and Molecular Diagnostics Laboratory, M Health Fairview: University of Minnesota); PubMed 29656858 (cited by Dasa).

NM_000089.4(COL1A2):c.946G>A (p.Gly316Ser)

Gene: COL1A2 (collagen type I alpha 2 chain; plus strand). Cytogenetic location: 7q21.3.
Variant type: single nucleotide variant.
Coding change: c.946G>A on transcript NM_000089.4 (MANE Select); coding-DNA position 946, G replaced by A.
Protein change: p.Gly316Ser; replaces glycine 316 with serine.
Molecular consequence: missense variant.
Genome position (GRCh38, 1-based): chr7:94,409,732, G>A. VCF-style: chr7-94409732-G-A. GRCh37 (hg19) VCF-style: chr7-94039044-G-A.
Other names: short protein forms G316S.
Identifiers: ClinVar variation 456846 (VCV000456846.17), dbSNP rs72656392, ClinGen allele CA368220848.